The following is an entry in ClinVar:

NM_005612.5(REST):c.2897T>G (p.Val966Gly)

Gene: REST (RE1 silencing transcription factor; plus strand). Cytogenetic location: 4q12.
Variant type: single nucleotide variant.
Coding change: c.2897T>G on transcript NM_005612.5 (MANE Select); coding-DNA position 2897, T replaced by G.
Protein change: p.Val966Gly; replaces valine 966 with glycine.
Molecular consequence: missense variant.
Genome position (GRCh38, 1-based): chr4:56,931,755, T>G. VCF-style: chr4-56931755-T-G. GRCh37 (hg19) VCF-style: chr4-57797921-T-G.
Other names: c.2897T>G, p.Val966Gly (NM_001193508.2, NM_001363453.3); short protein forms V966G.
Identifiers: ClinVar variation 2891567 (VCV002891567.3), dbSNP rs769297005, ClinGen allele CA2932575.

ClinVar aggregate classification (germline): Uncertain significance (1 of 4 stars; one submission).

Allele frequency attached by ClinVar (database versions not stated): gnomAD 0.00001.
gnomAD v4.1: 12 of 1,614,098 alleles (0.00074%); highest among the groups gnomAD compares: Non-Finnish European, 0.001%; no homozygotes.

Submission:

Labcorp Genetics (formerly Invitae), Labcorp
Classification: Uncertain significance. Last evaluated: 2022-11-29. Review status: criteria provided, single submitter. Criteria: Invitae Variant Classification Sherloc (09022015). Collection method: clinical testing. Allele origin: germline.
Comment: This sequence change replaces valine, which is neutral and non-polar, with glycine, which is neutral and non-polar, at codon 966 of the REST protein (p.Val966Gly). This variant is present in population databases (rs769297005, gnomAD 0.0009%). This variant has not been reported in the literature in individuals affected with REST-related conditions. Algorithms developed to predict the effect of missense changes on protein structure and function are either unavailable or do not agree on the potential impact of this missense change (SIFT: "Deleterious"; PolyPhen-2: "Benign"; Align-GVGD: "Class C0"). In summary, the available evidence is currently insufficient to determine the role of this variant in disease. Therefore, it has been classified as a Variant of Uncertain Significance.